The following is an entry in ClinVar:

ClinVar aggregate classification (germline): Likely benign. Review status: criteria provided, multiple submitters, no conflicts (2 of 4 stars). 2 submissions from 2 submitters: Likely benign (2). Last evaluated 2024-04-15.

Allele frequency attached by ClinVar (database versions not stated): TOPMed 0.00007; ESP Exome Variant Server 0.00008; gnomAD 0.00009; 1000 Genomes Project 30x 0.00016; 1000 Genomes Project 0.00020.
gnomAD v4.1: 386 of 1,614,074 alleles (0.024%); highest among the groups gnomAD compares: Non-Finnish European, 0.03%; no homozygotes.

Submissions (2):

Blueprint Genetics
Classification: Likely benign. Last evaluated: 2024-04-15. Review status: criteria provided, single submitter. Criteria: ACMG Guidelines, 2015. Collection method: clinical testing. Allele origin: germline.

CeGaT Center for Human Genetics Tuebingen
Classification: Likely benign. Last evaluated: 2024-04-01. Review status: criteria provided, single submitter. Criteria: CeGaT Center For Human Genetics Tuebingen Variant Classification Criteria Version 2. Collection method: clinical testing. Allele origin: germline. Affected: yes. Observed: 1 variant allele.
Comment: NUP93: BP4, BP7

NM_014669.5(NUP93):c.1968G>A (p.Pro656=)

Gene: NUP93 (nucleoporin 93; plus strand). Cytogenetic location: 16q13.
Variant type: single nucleotide variant.
Coding change: c.1968G>A on transcript NM_014669.5 (MANE Select); coding-DNA position 1968, G replaced by A.
Protein change: p.Pro656=; no amino-acid change (proline 656 retained).
Molecular consequence: synonymous variant.
Genome position (GRCh38, 1-based): chr16:56,837,676, G>A. VCF-style: chr16-56837676-G-A. GRCh37 (hg19) VCF-style: chr16-56871588-G-A.
Other names: c.1599G>A, p.Pro533= (NM_001242795.2, NM_001242796.2).
Identifiers: ClinVar variation 3234194 (VCV003234194.21), dbSNP rs181881269, ClinGen allele CA8068599.